The following is an entry in ClinVar:

NM_032608.7(MYO18B):c.7194C>G (p.Asp2398Glu)

Gene: MYO18B (myosin XVIIIB; plus strand). Cytogenetic location: 22q12.1.
Variant type: single nucleotide variant.
Coding change: c.7194C>G on transcript NM_032608.7 (MANE Select); coding-DNA position 7194, C replaced by G.
Protein change: p.Asp2398Glu; replaces aspartic acid 2398 with glutamic acid.
Molecular consequence: missense variant.
Genome position (GRCh38, 1-based): chr22:26,027,168, C>G. VCF-style: chr22-26027168-C-G. GRCh37 (hg19) VCF-style: chr22-26423134-C-G.
Other names: c.7197C>G, p.Asp2399Glu (NM_001318245.2); c.7194C>G (NM_032608.5); short protein forms D2399E, D2398E.
Identifiers: ClinVar variation 2071882 (VCV002071882.4), dbSNP rs768425319, ClinGen allele CA10161720.
Genomic context (GRCh38, chr22:26,027,168, plus strand): 5'-CACACTGCGTCCTCGGAGGCGGTGTCTGGAGTCCTCTGTGGACGATGCGGGCTGTCCAGA[C>G]CTTGGAAAGGAGCCGCTTGTTTTCCAGAACCGCCAGTTTGCCCACCTGATGGAGGAACCT-3'
Protein context (NP_115997.5, residues 2388-2408): ESSVDDAGCP[Asp2398Glu]LGKEPLVFQN

ClinVar aggregate classification (germline): Conflicting classifications of pathogenicity. Review status: criteria provided, conflicting classifications (1 of 4 stars). 3 submissions from 3 submitters: Uncertain significance (2); Likely benign (1). Last evaluated 2024-06-18.

Conditions:
Inborn genetic diseases. Identifiers: MedGen C0950123, MeSH D030342.

Allele frequency attached by ClinVar (database versions not stated): gnomAD exomes 0.00004; TOPMed 0.00005; gnomAD 0.00006; ExAC 0.00008.
gnomAD v4.1: 64 of 1,613,852 alleles (0.004%); highest among the groups gnomAD compares: Middle Eastern, 0.049%; no homozygotes.

Submissions (3):

Blueprint Genetics
Classification: Likely benign. Last evaluated: 2024-06-18. Review status: criteria provided, single submitter. Criteria: ACMG Guidelines, 2015. Collection method: clinical testing. Allele origin: germline.

Ambry Genetics
Classification: Uncertain significance for Inborn genetic diseases. Last evaluated: 2023-09-12. Review status: criteria provided, single submitter. Criteria: Ambry Variant Classification Scheme 2023. Collection method: clinical testing. Allele origin: germline.

Labcorp Genetics (formerly Invitae), Labcorp
Classification: Uncertain significance. Last evaluated: 2022-05-22. Review status: criteria provided, single submitter. Criteria: Invitae Variant Classification Sherloc (09022015). Collection method: clinical testing. Allele origin: germline.
Comment: This sequence change replaces aspartic acid, which is acidic and polar, with glutamic acid, which is acidic and polar, at codon 2398 of the MYO18B protein (p.Asp2398Glu). This variant is present in population databases (rs768425319, gnomAD 0.007%). This variant has not been reported in the literature in individuals affected with MYO18B-related conditions. Algorithms developed to predict the effect of missense changes on protein structure and function output the following: SIFT: "Not Available"; PolyPhen-2: "Benign"; Align-GVGD: "Not Available". The glutamic acid amino acid residue is found in multiple mammalian species, which suggests that this missense change does not adversely affect protein function. In summary, the available evidence is currently insufficient to determine the role of this variant in disease. Therefore, it has been classified as a Variant of Uncertain Significance.